The following is an entry in ClinVar:

NM_182746.3(MCM4):c.1313A>G (p.Gln438Arg)

Gene: MCM4 (minichromosome maintenance complex component 4; plus strand). Cytogenetic location: 8q11.21.
Variant type: single nucleotide variant.
Coding change: c.1313A>G on transcript NM_182746.3 (MANE Select); coding-DNA position 1313, A replaced by G.
Protein change: p.Gln438Arg; replaces glutamine 438 with arginine.
Molecular consequence: missense variant.
Genome position (GRCh38, 1-based): chr8:47,969,936, A>G. VCF-style: chr8-47969936-A-G. GRCh37 (hg19) VCF-style: chr8-48882496-A-G.
Other names: c.1313A>G, p.Gln438Arg (NM_005914.4); short protein forms Q438R.
Identifiers: ClinVar variation 4772491 (VCV004772491.1).

ClinVar aggregate classification (germline): Uncertain significance (1 of 4 stars; one submission).

Submission:

Labcorp Genetics (formerly Invitae), Labcorp
Classification: Uncertain significance. Last evaluated: 2025-12-30. Review status: criteria provided, single submitter. Criteria: Invitae Variant Classification Sherloc (09022015). Collection method: clinical testing. Allele origin: germline.
Comment: This sequence change replaces glutamine, which is neutral and polar, with arginine, which is basic and polar, at codon 438 of the MCM4 protein (p.Gln438Arg). This variant is present in population databases (rs200687137, gnomAD 0.02%). This variant has not been reported in the literature in individuals affected with MCM4-related conditions. Invitae Evidence Modeling of protein sequence and biophysical properties (such as structural, functional, and spatial information, amino acid conservation, physicochemical variation, residue mobility, and thermodynamic stability) indicates that this missense variant is not expected to disrupt MCM4 protein function with a negative predictive value of 80%. In summary, the available evidence is currently insufficient to determine the role of this variant in disease. Therefore, it has been classified as a Variant of Uncertain Significance.